The following is an entry in ClinVar:

NM_000238.4(KCNH2):c.1397A>G (p.Asp466Gly)

Gene: KCNH2 (potassium voltage-gated channel subfamily H member 2; minus strand). Cytogenetic location: 7q36.1.
Variant type: single nucleotide variant.
Coding change: c.1397A>G on transcript NM_000238.4 (MANE Select); coding-DNA position 1397, A replaced by G.
Protein change: p.Asp466Gly; replaces aspartic acid 466 with glycine.
Molecular consequence: missense variant.
Genome position (GRCh38, 1-based): chr7:150,952,585, T>C on the plus strand (A>G on the coding strand, the complement: KCNH2 is on the minus strand). VCF-style: chr7-150952585-T-C. GRCh37 (hg19) VCF-style: chr7-150649673-T-C.
Other names: c.377A>G, p.Asp126Gly (NM_001204798.2, NM_172057.3); c.1109A>G, p.Asp370Gly (NM_001406753.1, NM_001406756.1); c.1220A>G, p.Asp407Gly (NM_001406755.1); c.1097A>G, p.Asp366Gly (NM_001406757.1); c.1397A>G, p.Asp466Gly (NM_172056.3); short protein forms D466G, D126G, D366G, D370G, D407G.
Identifiers: ClinVar variation 909781 (VCV000909781.9), dbSNP rs1584856497, ClinGen allele CA369859836.

ClinVar aggregate classification (germline): Uncertain significance. Review status: criteria provided, multiple submitters, no conflicts (2 of 4 stars). 2 submissions from 2 submitters: Uncertain significance (2). Last evaluated 2023-03-30.

Conditions:
Long QT syndrome 2 (LQT2). Identifiers: Orphanet 101016, Orphanet 768, MedGen C3150943, MONDO:0013367, OMIM 613688.
Long QT syndrome (LQTS). Identifiers: MedGen C0023976, MeSH D008133, MONDO:0002442. Disease mechanism: loss of function. Inheritance: Various modes of inheritance.

Submissions (2):

Labcorp Genetics (formerly Invitae), Labcorp
Classification: Uncertain significance for Long QT syndrome. Last evaluated: 2023-03-30. Review status: criteria provided, single submitter. Criteria: Invitae Variant Classification Sherloc (09022015). Collection method: clinical testing. Allele origin: germline.
Comment: This variant is not present in population databases (gnomAD no frequency). In summary, the available evidence is currently insufficient to determine the role of this variant in disease. Therefore, it has been classified as a Variant of Uncertain Significance. An algorithm developed to predict the effect of missense changes on protein structure and function (PolyPhen-2) suggests that this variant is likely to be disruptive. ClinVar contains an entry for this variant (Variation ID: 909781). This variant has not been reported in the literature in individuals affected with KCNH2-related conditions. This sequence change replaces aspartic acid, which is acidic and polar, with glycine, which is neutral and non-polar, at codon 466 of the KCNH2 protein (p.Asp466Gly).

Illumina Laboratory Services, Illumina
Classification: Uncertain significance for Long QT syndrome 2. Last evaluated: 2018-01-13. Review status: criteria provided, single submitter. Criteria: ICSL Variant Classification Criteria 13 December 2019. Collection method: clinical testing. Allele origin: germline.